The following is an entry in ClinVar:

NM_000542.5(SFTPB):c.782T>A (p.Leu261Gln)

Gene: SFTPB (surfactant protein B; minus strand). Cytogenetic location: 2p11.2.
Variant type: single nucleotide variant.
Coding change: c.782T>A on transcript NM_000542.5 (MANE Select); coding-DNA position 782, T replaced by A.
Protein change: p.Leu261Gln; replaces leucine 261 with glutamine.
Molecular consequence: missense variant.
Genome position (GRCh38, 1-based): chr2:85,663,738, A>T on the plus strand (T>A on the coding strand, the complement: SFTPB is on the minus strand). VCF-style: chr2-85663738-A-T. GRCh37 (hg19) VCF-style: chr2-85890861-A-T.
Other names: c.782T>A, p.Leu261Gln (NM_001367281.2, NM_198843.4); short protein forms L261Q.
Identifiers: ClinVar variation 2847800 (VCV002847800.3), dbSNP rs759379195, ClinGen allele CA347488246.

ClinVar aggregate classification (germline): Uncertain significance (1 of 4 stars; one submission).

Submission:

Labcorp Genetics (formerly Invitae), Labcorp
Classification: Uncertain significance. Last evaluated: 2023-03-27. Review status: criteria provided, single submitter. Criteria: Invitae Variant Classification Sherloc (09022015). Collection method: clinical testing. Allele origin: germline.
Comment: Advanced modeling of protein sequence and biophysical properties (such as structural, functional, and spatial information, amino acid conservation, physicochemical variation, residue mobility, and thermodynamic stability) performed at Invitae indicates that this missense variant is expected to disrupt SFTPB protein function. In summary, the available evidence is currently insufficient to determine the role of this variant in disease. Therefore, it has been classified as a Variant of Uncertain Significance. This variant is not present in population databases (gnomAD no frequency). This variant has not been reported in the literature in individuals affected with SFTPB-related conditions. This sequence change replaces leucine, which is neutral and non-polar, with glutamine, which is neutral and polar, at codon 273 of the SFTPB protein (p.Leu273Gln).